The following is an entry in ClinVar:

ClinVar aggregate classification (germline): Conflicting classifications of pathogenicity. Review status: criteria provided, conflicting classifications (1 of 4 stars). 3 submissions from 3 submitters: Uncertain significance (2); Likely benign (1). Last evaluated 2025-05-21.

Conditions:
Ataxia-telangiectasia syndrome (AT). Also called: Ataxia telangiectasia (A-T); Ataxia-telangiectasia, complementation group E; LOUIS-BAR SYNDROME; Cerebello-oculocutaneous telangiectasia; Immunodeficiency with ataxia telangiectasia; Ataxia-telangiectasia, complementation group D. Identifiers: Orphanet 100, MedGen C0004135, MONDO:0008840, OMIM 208900.
Hereditary cancer-predisposing syndrome. Also called: Hereditary Cancer Syndrome; Neoplastic Syndromes, Hereditary; Tumor predisposition; Hereditary neoplastic syndrome. Identifiers: Orphanet 140162, MedGen C0027672, MeSH D009386, MONDO:0015356.

Submissions (3):

Ambry Genetics
Classification: Likely benign for Hereditary cancer-predisposing syndrome. Last evaluated: 2025-05-21. Review status: criteria provided, single submitter. Criteria: Ambry Variant Classification Scheme 2023. Collection method: clinical testing. Allele origin: germline.

Labcorp Genetics (formerly Invitae), Labcorp
Classification: Uncertain significance for Ataxia-telangiectasia syndrome. Last evaluated: 2022-09-29. Review status: criteria provided, single submitter. Criteria: Invitae Variant Classification Sherloc (09022015). Collection method: clinical testing. Allele origin: germline.
Comment: In summary, the available evidence is currently insufficient to determine the role of this variant in disease. Therefore, it has been classified as a Variant of Uncertain Significance. Algorithms developed to predict the effect of sequence changes on RNA splicing suggest that this variant may create or strengthen a splice site. This sequence change replaces serine, which is neutral and polar, with arginine, which is basic and polar, at codon 1748 of the ATM protein (p.Ser1748Arg). This variant is not present in population databases (gnomAD no frequency). This variant has not been reported in the literature in individuals affected with ATM-related conditions. ClinVar contains an entry for this variant (Variation ID: 229755). Algorithms developed to predict the effect of missense changes on protein structure and function output the following: SIFT: "Tolerated"; PolyPhen-2: "Benign"; Align-GVGD: "Class C0". The arginine amino acid residue is found in multiple mammalian species, which suggests that this missense change does not adversely affect protein function.

GeneDx
Classification: Uncertain significance. Last evaluated: 2016-02-25. Review status: criteria provided, single submitter. Criteria: GeneDx Variant Classification (06012015). Collection method: clinical testing. Allele origin: germline. Affected: yes.
Comment: This variant is denoted ATM c.5242A>C at the cDNA level, p.Ser1748Arg (S1748R) at the protein level, and results in the change of a Serine to an Arginine (AGT>CGT). This variant has not, to our knowledge, been published in the literature as pathogenic or benign. ATM Ser1748Arg was not observed in approximately 6,500 individuals of European and African American ancestry in the NHLBI Exome Sequencing Project, suggesting it is not a common benign variant in these populations. Since Serine and Arginine differ in some properties, this is considered a semi-conservative amino acid substitution. ATM Ser1748Arg occurs at a position that is not conserved and is not located in a known functional domain (Tavtigian 2009, Stracker 2013). In silico analyses predict that this variant is unlikely to alter protein structure or function. Based on currently available evidence, it is unclear whether ATM Ser1748Arg is a pathogenic or benign variant. We consider it to be a variant of uncertain significance.

NM_000051.4(ATM):c.5242A>C (p.Ser1748Arg)

Gene: ATM (ATM serine/threonine kinase; plus strand). Cytogenetic location: 11q22.3.
Variant type: single nucleotide variant.
Coding change: c.5242A>C on transcript NM_000051.4 (MANE Select); coding-DNA position 5242, A replaced by C.
Protein change: p.Ser1748Arg; replaces serine 1748 with arginine.
Molecular consequence: missense variant.
Genome position (GRCh38, 1-based): chr11:108,301,712, A>C. VCF-style: chr11-108301712-A-C. GRCh37 (hg19) VCF-style: chr11-108172439-A-C.
Other names: c.5242A>C, p.Ser1748Arg (NM_001351834.2); short protein forms S1748R.
Identifiers: ClinVar variation 229755 (VCV000229755.17), dbSNP rs876658175, ClinGen allele CA10579174.